The following is an entry in ClinVar:

NM_005245.4(FAT1):c.9281A>G (p.His3094Arg)

Gene: FAT1 (FAT atypical cadherin 1; minus strand). Cytogenetic location: 4q35.2.
Variant type: single nucleotide variant.
Coding change: c.9281A>G on transcript NM_005245.4 (MANE Select); coding-DNA position 9281, A replaced by G.
Protein change: p.His3094Arg; replaces histidine 3094 with arginine.
Molecular consequence: missense variant.
Genome position (GRCh38, 1-based): chr4:186,613,291, T>C on the plus strand (A>G on the coding strand, the complement: FAT1 is on the minus strand). VCF-style: chr4-186613291-T-C. GRCh37 (hg19) VCF-style: chr4-187534445-T-C.
Other names: short protein forms H3094R.
Identifiers: ClinVar variation 1479529 (VCV001479529.5), dbSNP rs761444021, ClinGen allele CA3165673.

ClinVar aggregate classification (germline): Uncertain significance (1 of 4 stars; one submission).

Allele frequency attached by ClinVar (database versions not stated): gnomAD exomes below 0.00001 and 0.00001; TOPMed 0.00001; ExAC 0.00002; gnomAD 0.00004.
gnomAD v4.1: 10 of 1,613,910 alleles (0.00062%); highest among the groups gnomAD compares: African/African-American, 0.0093%; no homozygotes.

Submission:

Labcorp Genetics (formerly Invitae), Labcorp
Classification: Uncertain significance. Last evaluated: 2021-12-08. Review status: criteria provided, single submitter. Criteria: Invitae Variant Classification Sherloc (09022015). Collection method: clinical testing. Allele origin: germline.
Comment: In summary, the available evidence is currently insufficient to determine the role of this variant in disease. Therefore, it has been classified as a Variant of Uncertain Significance. Algorithms developed to predict the effect of missense changes on protein structure and function (SIFT, PolyPhen-2, Align-GVGD) all suggest that this variant is likely to be tolerated. This variant has not been reported in the literature in individuals affected with FAT1-related conditions. This variant is present in population databases (rs761444021, gnomAD 0.008%). This sequence change replaces histidine, which is basic and polar, with arginine, which is basic and polar, at codon 3094 of the FAT1 protein (p.His3094Arg).